The following is an entry in ClinVar:

NM_177438.3(DICER1):c.4675A>C (p.Ile1559Leu)

Gene: DICER1 (dicer 1, ribonuclease III; minus strand). Cytogenetic location: 14q32.13.
Variant type: single nucleotide variant.
Coding change: c.4675A>C on transcript NM_177438.3 (MANE Select); coding-DNA position 4675, A replaced by C.
Protein change: p.Ile1559Leu; replaces isoleucine 1559 with leucine.
Molecular consequence: missense variant. On other transcripts: non-coding transcript variant (6).
Genome position (GRCh38, 1-based): chr14:95,096,245, T>G on the plus strand (A>C on the coding strand, the complement: DICER1 is on the minus strand). VCF-style: chr14-95096245-T-G. GRCh37 (hg19) VCF-style: chr14-95562582-T-G.
Other names: c.4675A>C, p.Ile1559Leu (NM_001195573.1, NM_001271282.3, NM_001291628.2 and 13 more transcripts); c.4393A>C, p.Ile1465Leu (NM_001395686.1); c.4270A>C, p.Ile1424Leu (NM_001395687.1, NM_001395688.1, NM_001395689.1 and 2 more transcripts); c.4108A>C, p.Ile1370Leu (NM_001395691.1); c.2992A>C, p.Ile998Leu (NM_001395697.1); short protein forms I1370L, I1424L, I1465L, I1559L, I998L.
Identifiers: ClinVar variation 1719843 (VCV001719843.6), dbSNP rs377409989, ClinGen allele CA390867548.

ClinVar aggregate classification (germline): Uncertain significance (1 of 4 stars; one submission).

Conditions:
DICER1-related tumor predisposition. Also called: DICER1 syndrome; DICER1-related pleuropulmonary blastoma cancer predisposition syndrome. Identifiers: Orphanet 284343, MedGen C3839822, MONDO:0100216.

Submission:

Labcorp Genetics (formerly Invitae), Labcorp
Classification: Uncertain significance for DICER1-related tumor predisposition. Last evaluated: 2022-09-20. Review status: criteria provided, single submitter. Criteria: Invitae Variant Classification Sherloc (09022015). Collection method: clinical testing. Allele origin: germline.
Comment: This variant has not been reported in the literature in individuals affected with DICER1-related conditions. Advanced modeling of protein sequence and biophysical properties (such as structural, functional, and spatial information, amino acid conservation, physicochemical variation, residue mobility, and thermodynamic stability) performed at Invitae indicates that this missense variant is not expected to disrupt DICER1 protein function. In summary, the available evidence is currently insufficient to determine the role of this variant in disease. Therefore, it has been classified as a Variant of Uncertain Significance. This sequence change replaces isoleucine, which is neutral and non-polar, with leucine, which is neutral and non-polar, at codon 1559 of the DICER1 protein (p.Ile1559Leu). This variant is not present in population databases (gnomAD no frequency).